The following is an entry in ClinVar:

NM_016642.4(SPTBN5):c.7643G>A (p.Arg2548His)

Gene: SPTBN5 (spectrin beta, non-erythrocytic 5; minus strand). Cytogenetic location: 15q15.1.
Variant type: single nucleotide variant.
Coding change: c.7643G>A on transcript NM_016642.4 (MANE Select); coding-DNA position 7643, G replaced by A.
Protein change: p.Arg2548His; replaces arginine 2548 with histidine.
Molecular consequence: missense variant.
Genome position (GRCh38, 1-based): chr15:41,861,829, C>T on the plus strand (G>A on the coding strand, the complement: SPTBN5 is on the minus strand). VCF-style: chr15-41861829-C-T. GRCh37 (hg19) VCF-style: chr15-42154027-C-T.
Other names: short protein forms R2548H.
Identifiers: ClinVar variation 2672585 (VCV002672585.23), dbSNP rs757964846, ClinGen allele CA7502152.
Genomic context (GRCh38, chr15:41,861,829, plus strand): 5'-TGCTCCTGCCAGGCCCCTTCCAGGCTGCTCAGCTCCTGTTCTAAGCCAGCCAGCACCTGG[C>T]GAATGTCGGAGCTGAAGGGGTGCCCCGCTGTGAGCAGTTGCTGCCCAGTGCTTCGGGCCA-3'
Protein context (NP_057726.4, residues 2538-2558): TAGHPFSSDI[Arg2548His]QVLAGLEQEL

ClinVar aggregate classification (germline): Likely benign (1 of 4 stars; one submission).

Allele frequency attached by ClinVar (database versions not stated): gnomAD exomes 0.00001; TOPMed 0.00001; ExAC 0.00002.

Submission:

CeGaT Center for Human Genetics Tuebingen
Classification: Likely benign. Last evaluated: 2023-11-01. Review status: criteria provided, single submitter. Criteria: CeGaT Center For Human Genetics Tuebingen Variant Classification Criteria Version 2. Collection method: clinical testing. Allele origin: germline. Affected: yes. Observed: 1 variant allele.
Comment: SPTBN5: BP4